The following is an entry in ClinVar:

NM_005263.5(GFI1):c.122C>T (p.Thr41Ile)

Gene: GFI1 (growth factor independent 1 transcriptional repressor; minus strand). Cytogenetic location: 1p22.1.
Variant type: single nucleotide variant.
Coding change: c.122C>T on transcript NM_005263.5 (MANE Select); coding-DNA position 122, C replaced by T.
Protein change: p.Thr41Ile; replaces threonine 41 with isoleucine.
Molecular consequence: missense variant.
Genome position (GRCh38, 1-based): chr1:92,483,040, G>A on the plus strand (C>T on the coding strand, the complement: GFI1 is on the minus strand). VCF-style: chr1-92483040-G-A. GRCh37 (hg19) VCF-style: chr1-92948597-G-A.
Other names: c.122C>T, p.Thr41Ile (NM_001127215.3, NM_001127216.3); short protein forms T41I.
Identifiers: ClinVar variation 4263234 (VCV004263234.1).
Genomic context (GRCh38, chr1:92,483,040, plus strand): 5'-AGCTGCGATTCGGGGGACAAACGGTCCCGGGGCTCCGCCTTCGCCCCGCCTGCATTTGAA[G>A]TGCTGTCTGCAAAGAGGAGGCAGGTGAGGGGCTCAGGCTGGGACCGGTTGAGTCTGAGGG-3'
Protein context (NP_005254.2, residues 31-51): NVPAPSRADS[Thr41Ile]SNAGGAKAEP

ClinVar aggregate classification (germline): Uncertain significance (1 of 4 stars; one submission).

gnomAD v4.1: 1 of 1,591,472 alleles (0.000063%); highest among the groups gnomAD compares: Non-Finnish European, 0.000085%; no homozygotes.

Submission:

Ambry Genetics
Classification: Uncertain significance. Last evaluated: 2025-08-08. Review status: criteria provided, single submitter. Criteria: Ambry Variant Classification Scheme 2023. Collection method: clinical testing. Allele origin: germline.
Comment: The p.T41I variant (also known as c.122C>T), located in coding exon 2 of the GFI1 gene, results from a C to T substitution at nucleotide position 122. The threonine at codon 41 is replaced by isoleucine, an amino acid with similar properties. This amino acid position is conserved. In addition, this alteration is predicted to be tolerated by in silico analysis. Based on the available evidence, the clinical significance of this variant remains unclear.